The following is an entry in ClinVar:

NM_002692.4(POLE2):c.1487G>C (p.Cys496Ser)

Gene: POLE2 (DNA polymerase epsilon 2, accessory subunit; minus strand). Cytogenetic location: 14q21.3.
Variant type: single nucleotide variant.
Coding change: c.1487G>C on transcript NM_002692.4 (MANE Select); coding-DNA position 1487, G replaced by C.
Protein change: p.Cys496Ser; replaces cysteine 496 with serine.
Molecular consequence: missense variant.
Genome position (GRCh38, 1-based): chr14:49,650,275, C>G on the plus strand (G>C on the coding strand, the complement: POLE2 is on the minus strand). VCF-style: chr14-49650275-C-G. GRCh37 (hg19) VCF-style: chr14-50116993-C-G.
Other names: c.1487G>C (NM_002692.3); c.1409G>C, p.Cys470Ser (NM_001197330.2); c.1487G>C, p.Cys496Ser (NM_001197331.3); c.1484G>C, p.Cys495Ser (NM_001348384.2); c.1256G>C, p.Cys419Ser (NM_001348385.2); short protein forms C496S, C470S, C419S, C495S.
Identifiers: ClinVar variation 4694797 (VCV004694797.2).

ClinVar aggregate classification (germline): Uncertain significance. Review status: criteria provided, multiple submitters, no conflicts (2 of 4 stars). 2 submissions from 2 submitters: Uncertain significance (2). Last evaluated 2026-01-01.

gnomAD v4.1: 6 of 1,590,804 alleles (0.00038%); highest among the groups gnomAD compares: African/African-American, 0.0081%; no homozygotes.

Submissions (2):

Labcorp Genetics (formerly Invitae), Labcorp
Classification: Uncertain significance. Last evaluated: 2026-01-01. Review status: criteria provided, single submitter. Criteria: Invitae Variant Classification Sherloc (09022015). Collection method: clinical testing. Allele origin: germline.
Comment: This sequence change replaces cysteine, which is neutral and slightly polar, with serine, which is neutral and polar, at codon 496 of the POLE2 protein (p.Cys496Ser). This variant is present in population databases (rs762910629, gnomAD 0.01%). This variant has not been reported in the literature in individuals affected with POLE2-related conditions. An algorithm developed to predict the effect of missense changes on protein structure and function (PolyPhen-2) suggests that this variant is likely to be tolerated. In summary, the available evidence is currently insufficient to determine the role of this variant in disease. Therefore, it has been classified as a Variant of Uncertain Significance.

Ambry Genetics
Classification: Uncertain significance. Last evaluated: 2025-12-16. Review status: criteria provided, single submitter. Criteria: Ambry Variant Classification Scheme 2023. Collection method: clinical testing. Allele origin: germline.